The following is an entry in ClinVar:

ClinVar aggregate classification (germline): Pathogenic/Likely pathogenic. Review status: criteria provided, multiple submitters, no conflicts (2 of 4 stars). 2 submissions from 2 submitters: Pathogenic (1); Likely pathogenic (1). Last evaluated 2021-05-06.

Conditions:
Alport syndrome. Also called: Hemorrhagic familial nephritis; Hemorrhagic hereditary nephritis; Congenital hereditary hematuria. Identifiers: Orphanet 63, MedGen C1567741, MONDO:0018965.

Submissions (2):

Victorian Clinical Genetics Services, Murdoch Childrens Research Institute
Classification: Likely pathogenic for Alport syndrome. Last evaluated: 2021-05-06. Review status: criteria provided, single submitter. Criteria: ACMG Guidelines, 2015. Collection method: clinical testing. Allele origin: germline. Affected: yes.
Comment: Based on the classification scheme VCGS_Germline_v1.3.4, this variant is classified as Likely pathogenic. Following criteria are met: 0103 - Dominant negative and loss-of- function are known mechanisms of disease in this gene and are associated with COL4A3-related nephropathy. Glycine changes that are part of a G-X-Y repeat in the triple helix of a collagen domain are known to have a dominant-negative effect (PMID: 12028435). (I) 0108 - This gene is associated with both recessive (Alport syndrome 2 MIM#203780) and dominant disease (Alport syndrome 3 MIM#104200 and benign familial hematuria MIM#141200) (OMIM). (I) 0200 - Variant is predicted to result in a missense amino acid change from glycine to cysteine. (I) 0251 - This variant is heterozygous. (I) 0301 - Variant is absent from gnomAD (both v2 and v3). (SP) 0501 - Missense variant consistently predicted to be damaging by multiple in silico tools or highly conserved with a major amino acid change. (SP) 0601 - Variant affects a glycine within the well-established functional G-X-Y repeat of a triple helical region (Uniprot). (SP) 0705 - No comparable missense variants have previous evidence for pathogenicity. (I) 0803 - This variant has limited previous evidence of pathogenicity in individuals. This variant has been reported in a single family with thin basement membrane nephropathy (LOVD, PMID: 14871398). (SP) 1007 - No published functional evidence has been identified for this variant. (I) 1208 - Inheritance information for this variant is not currently available in this individual. (I) Legend: (SP) - Supporting pathogenic, (I) - Information, (SB) - Supporting benign

Labcorp Genetics (formerly Invitae), Labcorp
Classification: Pathogenic. Last evaluated: 2021-03-29. Review status: criteria provided, single submitter. Criteria: Invitae Variant Classification Sherloc (09022015). Collection method: clinical testing. Allele origin: germline.
Comment: For these reasons, this variant has been classified as Pathogenic. Advanced modeling of protein sequence and biophysical properties (such as structural, functional, and spatial information, amino acid conservation, physicochemical variation, residue mobility, and thermodynamic stability) performed at Invitae indicates that this missense variant is expected to disrupt COL4A3 protein function. This variant has been observed in individual(s) with clinical features of Alport syndrome (PMID: 14871398, Invitae). In at least one individual the data is consistent with the variant being in trans (on the opposite chromosome) from a pathogenic variant. This variant is not present in population databases (ExAC no frequency). This sequence change replaces glycine with cysteine at codon 584 of the COL4A3 protein (p.Gly584Cys). The glycine residue is highly conserved and there is a large physicochemical difference between glycine and cysteine.

Literature cited by the submitters: PubMed 12028435 (cited by Victorian Clinical Genetics Services, Murdoch Childrens Research Institute); PubMed 14871398 (cited by Victorian Clinical Genetics Services, Murdoch Childrens Research Institute and Labcorp Genetics (formerly Invitae), Labcorp).

NM_000091.5(COL4A3):c.1750G>T (p.Gly584Cys)

Genes: COL4A3 (collagen type IV alpha 3 chain; plus strand), MFF-DT (MFF divergent transcript; minus strand). Cytogenetic location: 2q36.3.
Variant type: single nucleotide variant.
Coding change: c.1750G>T on transcript NM_000091.5 (MANE Select); coding-DNA position 1750, G replaced by T.
Protein change: p.Gly584Cys; replaces glycine 584 with cysteine.
Molecular consequence: missense variant.
Genome position (GRCh38, 1-based): chr2:227,270,944, G>T. VCF-style: chr2-227270944-G-T. GRCh37 (hg19) VCF-style: chr2-228135660-G-T.
Other names: c.1750G>T (NM_000091.4); short protein forms G584C.
Identifiers: ClinVar variation 1458425 (VCV001458425.9), dbSNP rs2125991456, ClinGen allele CA350871960.